The following is an entry in ClinVar:

ClinVar aggregate classification (germline): Likely pathogenic (1 of 4 stars; one submission).

Conditions:
Treacher Collins syndrome 4. Identifiers: MedGen C5394546, MONDO:0030067, OMIM 618939.

Submission:

Laboratory of Prof. Karen Avraham, Tel Aviv University
Classification: Likely pathogenic for Treacher Collins syndrome 4. Last evaluated: 2024-06-05. Review status: criteria provided, single submitter. Criteria: ACMG Guidelines, 2015. Collection method: research. Allele origin: germline. Affected: yes. Observed: 1 variant allele.
Comment: A nonsense variant in a known dominant gene involved in Treacher Collins including HL

Autosomal dominant; sloping audiogram, normal-moderate HL

NM_019014.6(POLR1B):c.490G>T (p.Glu164Ter)

Gene: POLR1B (RNA polymerase I subunit B; plus strand). Cytogenetic location: 2q14.1.
Variant type: single nucleotide variant.
Coding change: c.490G>T on transcript NM_019014.6 (MANE Select); coding-DNA position 490, G replaced by T.
Protein change: p.Glu164Ter; replaces glutamic acid 164 with a stop codon.
Molecular consequence: nonsense. On other transcripts: 5 prime UTR variant (1), intron variant (1).
Genome position (GRCh38, 1-based): chr2:112,547,565, G>T. VCF-style: chr2-112547565-G-T. GRCh37 (hg19) VCF-style: chr2-113305142-G-T.
Other names: c.322G>T, p.Glu108Ter (NM_001137604.3, NM_032212.2); c.604G>T, p.Glu202Ter (NM_001282772.2); c.490G>T, p.Glu164Ter (NM_001282774.2, NM_001371969.1); c.73G>T, p.Glu25Ter (NM_001282777.2, NM_001282779.2, NM_001371970.1); c.-11G>T (NM_001371971.1); c.-8-3301G>T (NM_001282776.2); short protein forms E108*, E164*, E202*, E25*.
Identifiers: ClinVar variation 3250396 (VCV003250396.1), dbSNP rs2467555675.